The following is an entry in ClinVar:

ClinVar aggregate classification (germline): Uncertain significance. Review status: criteria provided, multiple submitters, no conflicts (2 of 4 stars). 3 submissions from 3 submitters: Uncertain significance (3). Last evaluated 2024-11-14.

Conditions:
Autism, susceptibility to, X-linked 4 (AUTSX4). Identifiers: MedGen C0795888, MONDO:0010440, OMIM 300830.
Inborn genetic diseases. Identifiers: MedGen C0950123, MeSH D030342.

Allele frequency attached by ClinVar (database versions not stated): gnomAD exomes 0.00001; ExAC 0.00003; gnomAD 0.00003; TOPMed 0.00003.
gnomAD v4.1: 18 of 1,209,201 alleles (0.0015%); highest among the groups gnomAD compares: East Asian, 0.003%; no homozygotes.

Submissions (3):

Ambry Genetics
Classification: Uncertain significance for Inborn genetic diseases. Last evaluated: 2024-11-14. Review status: criteria provided, single submitter. Criteria: Ambry Variant Classification Scheme 2023. Collection method: clinical testing. Allele origin: germline.

CeGaT Center for Human Genetics Tuebingen
Classification: Uncertain significance. Last evaluated: 2022-11-01. Review status: criteria provided, single submitter. Criteria: CeGaT Center For Human Genetics Tuebingen Variant Classification Criteria Version 2. Collection method: clinical testing. Allele origin: germline. Affected: yes. Observed: 1 variant allele.
Comment: PTCHD1: PM2, PP3

Baylor Genetics
Classification: Uncertain significance for Autism, susceptibility to, X-linked 4. Last evaluated: 2022-01-05. Review status: criteria provided, single submitter. Criteria: ACMG Guidelines, 2015. Collection method: clinical testing. Allele origin: unknown.

NM_173495.3(PTCHD1):c.458T>C (p.Ile153Thr)

Gene: PTCHD1 (patched domain containing 1; plus strand). Cytogenetic location: Xp22.11.
Variant type: single nucleotide variant.
Coding change: c.458T>C on transcript NM_173495.3 (MANE Select); coding-DNA position 458, T replaced by C.
Protein change: p.Ile153Thr; replaces isoleucine 153 with threonine.
Molecular consequence: missense variant.
Genome position (GRCh38, 1-based): chrX:23,379,697, T>C. VCF-style: chrX-23379697-T-C. GRCh37 (hg19) VCF-style: chrX-23397814-T-C.
Other names: short protein forms I153T.
Identifiers: ClinVar variation 2442059 (VCV002442059.26), dbSNP rs773132578, ClinGen allele CA10369035.
Genomic context (GRCh38, chrX:23,379,697, plus strand): 5'-ATTACACGTTTGCCCATATATGTATCCTGAATAATGATAAGACTTGCATCGTGGATGACA[T>C]AGTGCACGTCCTGGAAGAGCTAAAGAATGCTCGGGCCACCAATCGGACCAATTTTGCTAT-3'
Protein context (NP_775766.2, residues 143-163): NNDKTCIVDD[Ile153Thr]VHVLEELKNA